The following is an entry in ClinVar:

NM_020987.5(ANK3):c.7475G>C (p.Ser2492Thr)

Gene: ANK3 (ankyrin 3; minus strand). Cytogenetic location: 10q21.2.
Variant type: single nucleotide variant.
Coding change: c.7475G>C on transcript NM_020987.5 (MANE Select); coding-DNA position 7475, G replaced by C.
Protein change: p.Ser2492Thr; replaces serine 2492 with threonine.
Molecular consequence: missense variant. On other transcripts: intron variant (4).
Genome position (GRCh38, 1-based): chr10:60,073,406, C>G on the plus strand (G>C on the coding strand, the complement: ANK3 is on the minus strand). VCF-style: chr10-60073406-C-G. GRCh37 (hg19) VCF-style: chr10-61833164-C-G.
Other names: c.4388-5397G>C (NM_001204403.2); c.4409-5397G>C (NM_001204404.2); c.4406-5397G>C (NM_001320874.2); c.1808-5397G>C (NM_001149.4); short protein forms S2492T.
Identifiers: ClinVar variation 3900806 (VCV003900806.1).

ClinVar aggregate classification (germline): Uncertain significance (1 of 4 stars; one submission).

Submission:

GeneDx
Classification: Uncertain significance. Last evaluated: 2024-11-27. Review status: criteria provided, single submitter. Criteria: GeneDx Variant Classification Process June 2021. Collection method: clinical testing. Allele origin: germline. Affected: yes.
Comment: Not observed at significant frequency in large population cohorts (gnomAD); In silico analysis indicates that this missense variant does not alter protein structure/function; Has not been previously published as pathogenic or benign to our knowledge